The following is an entry in ClinVar:

NM_001048174.2(MUTYH):c.908A>G (p.Glu303Gly)

Gene: MUTYH (mutY DNA glycosylase; minus strand). Cytogenetic location: 1p34.1.
Variant type: single nucleotide variant.
Coding change: c.908A>G on transcript NM_001048174.2 (MANE Select); coding-DNA position 908, A replaced by G.
Protein change: p.Glu303Gly; replaces glutamic acid 303 with glycine.
Molecular consequence: missense variant. On other transcripts: non-coding transcript variant (7).
Genome position (GRCh38, 1-based): chr1:45,332,028, T>C on the plus strand (A>G on the coding strand, the complement: MUTYH is on the minus strand). VCF-style: chr1-45332028-T-C. GRCh37 (hg19) VCF-style: chr1-45797700-T-C.
Other names: c.953A>G, p.Glu318Gly (NM_001293190.2); c.941A>G, p.Glu314Gly (NM_001293191.2, NM_001407069.1, NM_001407077.1); c.632A>G, p.Glu211Gly (NM_001293192.2, NM_001293196.2, NM_001407091.1); c.908A>G, p.Glu303Gly (NM_001293195.2, NM_001407070.1, NM_001407088.1 and 6 more transcripts); c.563A>G, p.Glu188Gly (NM_001350650.2, NM_001350651.2, NM_001407082.1); c.950A>G, p.Glu317Gly (NM_001407083.1, NM_001407085.1); c.911A>G, p.Glu304Gly (NM_001407086.1, NM_001048172.2, NM_001407071.1 and 1 more transcripts); c.929A>G, p.Glu310Gly (NM_001407087.1); and 5 more; short protein forms E304G, E303G, E317G, E275G, E290G, E314G, E318G, E328G.
Identifiers: ClinVar variation 2711321 (VCV002711321.4), dbSNP rs1374712964, ClinGen allele CA340134017.
Genomic context (GRCh38, chr1:45,332,028, plus strand): 5'-GGGGCTTCTGACTGGGCCAGGAAGGGTTGGGGTGGGGGCTAGGTTTGGTGCTCACCACAC[T>C]CCTCCACGTCAGGACTGCCCGACAGGCTCCCTGAGGCTAAGAGCTGTTCCTGCTCCACCT-3'
Protein context (NP_001041639.1, residues 293-313): GSLSGSPDVE[Glu303Gly]CAPNTGQCHL

ClinVar aggregate classification (germline): Uncertain significance. Review status: criteria provided, multiple submitters, no conflicts (2 of 4 stars). 2 submissions from 2 submitters: Uncertain significance (2). Last evaluated 2025-10-20.

Conditions:
Familial adenomatous polyposis 2. Also called: COLORECTAL ADENOMATOUS POLYPOSIS, AUTOSOMAL RECESSIVE; ADENOMAS, MULTIPLE COLORECTAL, AUTOSOMAL RECESSIVE; FAP type 2; MUTYH Polyposis; MYH-associated polyposis; Adenomas, multiple colorectal. Identifiers: Orphanet 220460, Orphanet 247798, MedGen C3272841, MONDO:0012041, OMIM 608456.
Hereditary cancer-predisposing syndrome. Also called: Neoplastic Syndromes, Hereditary; Tumor predisposition; Hereditary Cancer Syndrome; Hereditary neoplastic syndrome. Identifiers: Orphanet 140162, MedGen C0027672, MeSH D009386, MONDO:0015356.

Allele frequency attached by ClinVar (database versions not stated): gnomAD 0.00001.
gnomAD v4.1: 1 of 1,614,014 alleles (0.000062%); highest among the groups gnomAD compares: East Asian, 0.0022%; no homozygotes.

Submissions (2):

Labcorp Genetics (formerly Invitae), Labcorp
Classification: Uncertain significance for Familial adenomatous polyposis 2. Last evaluated: 2025-10-20. Review status: criteria provided, single submitter. Criteria: Invitae Variant Classification Sherloc (09022015). Collection method: clinical testing. Allele origin: germline.
Comment: This sequence change replaces glutamic acid, which is acidic and polar, with glycine, which is neutral and non-polar, at codon 331 of the MUTYH protein (p.Glu331Gly). This variant is present in population databases (no rsID available, gnomAD 0.06%). This variant has not been reported in the literature in individuals affected with MUTYH-related conditions. ClinVar contains an entry for this variant (Variation ID: 2711321). An algorithm developed to predict the effect of missense changes on protein structure and function (PolyPhen-2) suggests that this variant is likely to be tolerated. Algorithms developed to predict the effect of sequence changes on RNA splicing suggest that this variant may disrupt the consensus splice site. In summary, the available evidence is currently insufficient to determine the role of this variant in disease. Therefore, it has been classified as a Variant of Uncertain Significance.

Color Diagnostics, LLC DBA Color Health
Classification: Uncertain significance for Hereditary cancer-predisposing syndrome. Last evaluated: 2023-10-30. Review status: criteria provided, single submitter. Criteria: ACMG Guidelines, 2015. Collection method: clinical testing. Allele origin: germline.
Comment: This missense variant replaces glutamic acid with glycine at codon 331 of the MUTYH protein. Computational prediction suggests that this variant may not impact protein structure and function (internally defined REVEL score threshold <= 0.5, PMID: 27666373). To our knowledge, functional studies have not been reported for this variant. This variant has not been reported in individuals affected with MUTYH-related disorders in the literature. This variant has been identified in 1/31372 chromosomes in the general population by the Genome Aggregation Database (gnomAD). The available evidence is insufficient to determine the role of this variant in disease conclusively. Therefore, this variant is classified as a Variant of Uncertain Significance.